The following is an entry in ClinVar:

NM_001382567.1(STIM1):c.1611A>G (p.Pro537=)

Gene: STIM1 (stromal interaction molecule 1; plus strand). Cytogenetic location: 11p15.4.
Variant type: single nucleotide variant.
Coding change: c.1611A>G on transcript NM_001382567.1 (MANE Select); coding-DNA position 1611, A replaced by G.
Protein change: p.Pro537=; no amino-acid change (proline 537 retained).
Molecular consequence: synonymous variant. On other transcripts: non-coding transcript variant (3).
Genome position (GRCh38, 1-based): chr11:4,086,520, A>G. VCF-style: chr11-4086520-A-G. GRCh37 (hg19) VCF-style: chr11-4107750-A-G.
Other names: c.1518A>G, p.Pro506= (NM_001277961.3, NM_001277962.2, NM_003156.4); c.1296A>G, p.Pro432= (NM_001382566.1, NM_001382575.1, NM_001382576.1 and 3 more transcripts); c.1539A>G, p.Pro513= (NM_001382568.1); c.1383A>G, p.Pro461= (NM_001382569.1); c.1290A>G, p.Pro430= (NM_001382570.1); c.1038A>G, p.Pro346= (NM_001382571.1); c.1029A>G, p.Pro343= (NM_001382580.1, NM_001382581.1).
Identifiers: ClinVar variation 258972 (VCV000258972.39), dbSNP rs199512211, ClinGen allele CA5830521.
Genomic context (GRCh38, chr11:4,086,520, plus strand): 5'-CTTTATTCTCCTTGCAGCCCCTAGCCTGCAGAGCAGTGTTCGGCAGCGCCTGACGGAGCC[A>G]CAGCATGGCCTGGGATCTCAGAGGTTGGTAGAGGGCGAGGCTGGCCACTTCTTGACAAGC-3'
Protein context (NP_001369496.1, residues 527-547): QSSVRQRLTE[Pro537=]QHGLGSQRDL

ClinVar aggregate classification (germline): Benign/Likely benign. Review status: criteria provided, multiple submitters, no conflicts (2 of 4 stars). 6 submissions from 6 submitters: Benign (1); Likely benign (3). 2 of the submissions do not count toward it. Last evaluated 2026-03-01.

Conditions:
Combined immunodeficiency due to STIM1 deficiency. Also called: STIM1 DEFICIENCY; IMMUNODEFICIENCY 10. Identifiers: Orphanet 169090, Orphanet 317430, MedGen C2748557, MONDO:0013008, OMIM 612783.
Stormorken syndrome (STRMK). Also called: THROMBOCYTOPATHY, ASPLENIA, AND MIOSIS. Identifiers: Orphanet 3204, MedGen C1861451, MONDO:0008497, OMIM 185070.
Myopathy with tubular aggregates (TAM). Also called: Tubular Aggregate Myopathy. Identifiers: Orphanet 2593, MedGen C0410207, MONDO:0008051.

Allele frequency attached by ClinVar (database versions not stated): gnomAD 0.00003 and 0.00034; TOPMed 0.00006; gnomAD exomes 0.00047 and 0.00094; ExAC 0.00108; 1000 Genomes Project 0.00240; 1000 Genomes Project 30x 0.00265.
gnomAD v4.1: 731 of 1,614,146 alleles (0.045%); highest among the groups gnomAD compares: South Asian, 0.71%; 9 homozygotes.

Submissions (6):

CeGaT Center for Human Genetics Tuebingen
Classification: Likely benign. Last evaluated: 2026-03-01. Review status: criteria provided, single submitter. Criteria: CeGaT Center For Human Genetics Tuebingen Variant Classification Criteria Version 2. Collection method: clinical testing. Allele origin: germline. Affected: yes. Observed: 3 variant alleles.
Comment: STIM1: BP4, BP7

Labcorp Genetics (formerly Invitae), Labcorp
Classification: Benign for Myopathy with tubular aggregates; Combined immunodeficiency due to STIM1 deficiency; Stormorken syndrome. Last evaluated: 2026-01-11. Review status: criteria provided, single submitter. Criteria: Invitae Variant Classification Sherloc (09022015). Collection method: clinical testing. Allele origin: germline.

Blueprint Genetics
Classification: Likely benign. Last evaluated: 2024-08-28. Review status: criteria provided, single submitter. Criteria: ACMG Guidelines, 2015. Collection method: clinical testing. Allele origin: germline.

PreventionGenetics, part of Exact Sciences
Classification: Likely benign. Review status: criteria provided, single submitter. Criteria: ACMG Guidelines, 2015. Collection method: clinical testing. Allele origin: germline.

Clinical Genetics DNA and cytogenetics Diagnostics Lab, Erasmus MC, Erasmus Medical Center
Classification: Likely benign. Review status: no assertion criteria provided. Collection method: clinical testing. Allele origin: germline. Affected: yes. Study: VKGL Data-share Consensus. Not counted in ClinVar's aggregate classification.

Genome Diagnostics Laboratory, University Medical Center Utrecht
Classification: Likely benign. Review status: no assertion criteria provided. Collection method: clinical testing. Allele origin: germline. Affected: yes. Study: VKGL Data-share Consensus. Not counted in ClinVar's aggregate classification.